The following is an entry in ClinVar:

ClinVar aggregate classification (germline): Uncertain significance (1 of 4 stars; one submission).

Conditions:
Severe X-linked myotubular myopathy (CNMX). Also called: MYOTUBULAR MYOPATHY 1; X-linked centronuclear myopathy; Myotubular myopathy, X-linked. Identifiers: Orphanet 596, MedGen C0410203, MONDO:0010683, OMIM 310400.

gnomAD v4.1: 1 of 1,211,528 alleles (0.000083%); highest among the groups gnomAD compares: Non-Finnish European, 0.00011%; no homozygotes.

Submission:

Labcorp Genetics (formerly Invitae), Labcorp
Classification: Uncertain significance for Severe X-linked myotubular myopathy. Last evaluated: 2025-10-05. Review status: criteria provided, single submitter. Criteria: Invitae Variant Classification Sherloc (09022015). Collection method: clinical testing. Allele origin: germline.
Comment: This sequence change replaces asparagine, which is neutral and polar, with aspartic acid, which is acidic and polar, at codon 223 of the MTM1 protein (p.Asn223Asp). This variant is not present in population databases (gnomAD no frequency). This variant has not been reported in the literature in individuals affected with MTM1-related conditions. Invitae Evidence Modeling of protein sequence and biophysical properties (such as structural, functional, and spatial information, amino acid conservation, physicochemical variation, residue mobility, and thermodynamic stability) has been performed for this missense variant. However, the output from this modeling did not meet the statistical confidence thresholds required to predict the impact of this variant on MTM1 protein function. In summary, the available evidence is currently insufficient to determine the role of this variant in disease. Therefore, it has been classified as a Variant of Uncertain Significance.

NM_000252.3(MTM1):c.667A>G (p.Asn223Asp)

Gene: MTM1 (myotubularin 1; plus strand). Cytogenetic location: Xq28.
Variant type: single nucleotide variant.
Coding change: c.667A>G on transcript NM_000252.3 (MANE Select); coding-DNA position 667, A replaced by G.
Protein change: p.Asn223Asp; replaces asparagine 223 with aspartic acid.
Molecular consequence: missense variant.
Genome position (GRCh38, 1-based): chrX:150,641,407, A>G. VCF-style: chrX-150641407-A-G. GRCh37 (hg19) VCF-style: chrX-149809880-A-G.
Other names: c.667A>G, p.Asn223Asp (NM_001376906.1, NM_001376908.1); c.556A>G, p.Asn186Asp (NM_001376907.1); short protein forms N223D, N186D.
Identifiers: ClinVar variation 4754998 (VCV004754998.1).